The following is an entry in ClinVar:

NM_033641.4(COL4A6):c.116G>A (p.Cys39Tyr)

Gene: COL4A6 (collagen type IV alpha 6 chain; minus strand). Cytogenetic location: Xq22.3.
Variant type: single nucleotide variant.
Coding change: c.116G>A on transcript NM_033641.4 (MANE Select); coding-DNA position 116, G replaced by A.
Protein change: p.Cys39Tyr; replaces cysteine 39 with tyrosine.
Molecular consequence: missense variant.
Genome position (GRCh38, 1-based): chrX:108,310,776, C>T on the plus strand (G>A on the coding strand, the complement: COL4A6 is on the minus strand). VCF-style: chrX-108310776-C-T. GRCh37 (hg19) VCF-style: chrX-107554006-C-T.
Other names: c.116G>A, p.Cys39Tyr (NM_001287758.2, NM_001287759.2, NM_001287760.2 and 1 more transcripts); c.119G>A, p.Cys40Tyr (NM_001440759.1, NM_001847.4); short protein forms C39Y, C40Y.
Identifiers: ClinVar variation 4847834 (VCV004847834.1).

ClinVar aggregate classification (germline): Uncertain significance (1 of 4 stars; one submission).

gnomAD v4.1: 1 of 1,210,804 alleles (0.000083%); highest among the groups gnomAD compares: Admixed American, 0.0022%; no homozygotes.

Submission:

Women's Health and Genetics/Laboratory Corporation of America, LabCorp
Classification: Uncertain significance. Last evaluated: 2026-02-13. Review status: criteria provided, single submitter. Criteria: LabCorp Variant Classification Summary - May 2015. Collection method: clinical testing. Allele origin: germline.
Comment: Variant summary: COL4A6 c.119G>A (p.Cys40Tyr) results in a non-conservative amino acid change in the encoded protein sequence. Algorithms developed to predict the effect of missense changes on protein structure and function all suggest that this variant is likely to be disruptive. The variant allele was found at a frequency of 8.3e-07 in 1205769 control chromosomes in the gnomAD database (v4.1 dataset), including 1 hemizygote. The available data on variant occurrences in the general population are insufficient to allow any conclusion about variant significance. To our knowledge, no occurrence of c.119G>A in individuals affected with COL4A6-related conditions and no experimental evidence demonstrating its impact on protein function have been reported. No submitters have cited clinical-significance assessments for this variant to ClinVar. Based on the evidence outlined above, the variant was classified as uncertain significance.